The following is an entry in ClinVar:

NM_000535.7(PMS2):c.690G>A (p.Val230=)

Gene: PMS2 (PMS1 homolog 2, mismatch repair system component; minus strand). Cytogenetic location: 7p22.1.
Variant type: single nucleotide variant.
Coding change: c.690G>A on transcript NM_000535.7 (MANE Select); coding-DNA position 690, G replaced by A.
Protein change: p.Val230=; no amino-acid change (valine 230 retained).
Molecular consequence: synonymous variant. On other transcripts: 5 prime UTR variant (2), non-coding transcript variant (1), intron variant (1).
Genome position (GRCh38, 1-based): chr7:5,999,123, C>T on the plus strand (G>A on the coding strand, the complement: PMS2 is on the minus strand). VCF-style: chr7-5999123-C-T. GRCh37 (hg19) VCF-style: chr7-6038754-C-T.
Other names: c.285G>A, p.Val95= (NM_001322003.2, NM_001322004.2, NM_001322005.2 and 2 more transcripts); c.690G>A, p.Val230= (NM_001322006.2, NM_001322014.2); c.372G>A, p.Val124= (NM_001322007.2, NM_001322008.2); c.-244G>A (NM_001322011.2, NM_001322012.2); c.381G>A, p.Val127= (NM_001322015.2); c.133-1700G>A (NM_001322013.2).
Identifiers: ClinVar variation 231801 (VCV000231801.15), dbSNP rs749871098, ClinGen allele CA050918.
Genomic context (GRCh38, chr7:5,999,123, plus strand): 5'-ATCACTAGAGCAATAAGAGGCGTTGAAGTAACCGGCCATCACTACCTGCTTCTGCCCAAA[C>T]ACAGAGCCGATATTTTCCTTTATGCTGGGGCTTCCACCTGTGCATACCACAGGCTGTCGT-3'
Protein context (NP_000526.2, residues 220-240): SPSIKENIGS[Val230=]FGQKQLQSLI

ClinVar aggregate classification (germline): Likely benign. Review status: criteria provided, multiple submitters, no conflicts (2 of 4 stars). 3 submissions from 3 submitters: Likely benign (3). Last evaluated 2023-10-02.

Conditions:
Hereditary cancer-predisposing syndrome. Also called: Neoplastic Syndromes, Hereditary; Tumor predisposition; Hereditary Cancer Syndrome; Hereditary neoplastic syndrome. Identifiers: Orphanet 140162, MedGen C0027672, MeSH D009386, MONDO:0015356.
Hereditary nonpolyposis colorectal neoplasms. Identifiers: MedGen C0009405, MeSH D003123.
Lynch syndrome. Identifiers: Orphanet 144, MedGen C4552100, MONDO:0005835. Disease mechanism: loss of function.

Allele frequency attached by ClinVar (database versions not stated): gnomAD exomes below 0.00001.

Submissions (3):

All of Us Research Program, National Institutes of Health
Classification: Likely benign for Lynch syndrome. Last evaluated: 2023-10-02. Review status: criteria provided, single submitter. Criteria: ACMG Guidelines, 2015. Collection method: clinical testing. Allele origin: germline. Inheritance: Autosomal dominant inheritance. Observed: 2 variant alleles, 2 heterozygotes.
Comment: This study involves interpretation of variants in research participants for the purpose of population health screening. Participant phenotype was not available at the time of variant classification. Additional details can be found in publication PMID: 35346344, PMCID: PMC8962531

Labcorp Genetics (formerly Invitae), Labcorp
Classification: Likely benign for Hereditary nonpolyposis colorectal neoplasms. Last evaluated: 2020-02-11. Review status: criteria provided, single submitter. Criteria: Invitae Variant Classification Sherloc (09022015). Collection method: clinical testing. Allele origin: germline.

Ambry Genetics
Classification: Likely benign for Hereditary cancer-predisposing syndrome. Last evaluated: 2015-05-10. Review status: criteria provided, single submitter. Criteria: Ambry Variant Classification Scheme 2023. Collection method: clinical testing. Allele origin: germline.